The following is an entry in ClinVar:

ClinVar aggregate classification (germline): Uncertain significance (1 of 4 stars; one submission).

Allele frequency attached by ClinVar (database versions not stated): gnomAD exomes below 0.00001.
gnomAD v4.1: 1 of 1,614,080 alleles (0.000062%); highest among the groups gnomAD compares: Non-Finnish European, 0.000085%; no homozygotes.

Submission:

GeneDx
Classification: Uncertain significance. Last evaluated: 2025-09-04. Review status: criteria provided, single submitter. Criteria: GeneDx Variant Classification Process June 2021. Collection method: clinical testing. Allele origin: germline. Affected: yes.
Comment: Not observed at significant frequency in large population cohorts (gnomAD); In silico analysis supports that this missense variant has a deleterious effect on protein structure/function; Has not been previously published as pathogenic or benign to our knowledge; This variant is associated with the following publications: (PMID: 27535533)

NM_001303256.3(MORC2):c.1577C>T (p.Ser526Phe)

Gene: MORC2 (MORC family CW-type zinc finger 2; minus strand). Cytogenetic location: 22q12.2.
Variant type: single nucleotide variant.
Coding change: c.1577C>T on transcript NM_001303256.3 (MANE Select); coding-DNA position 1577, C replaced by T.
Protein change: p.Ser526Phe; replaces serine 526 with phenylalanine.
Molecular consequence: missense variant.
Genome position (GRCh38, 1-based): chr22:30,936,959, G>A on the plus strand (C>T on the coding strand, the complement: MORC2 is on the minus strand). VCF-style: chr22-30936959-G-A. GRCh37 (hg19) VCF-style: chr22-31332946-G-A.
Other names: c.1577C>T, p.Ser526Phe (NM_001303257.2); c.1391C>T, p.Ser464Phe (NM_014941.3); short protein forms S464F, S526F.
Identifiers: ClinVar variation 2504170 (VCV002504170.2), dbSNP rs2517586159, ClinGen allele CA411237451.
Genomic context (GRCh38, chr22:30,936,959, plus strand): 5'-ACCCACAATCCCCTTGTTAGACAATGTGCTCACCGGTCCTGTTCAGGATCAGGGTTCATG[G>A]AGCAAACCCAGGTGTCAGGGTAATCTTTTTCCACAGAACTCAGCTGGAAGGGGAGGGTTC-3'
Protein context (NP_001290185.1, residues 516-536): EKDYPDTWVC[Ser526Phe]MNPDPEQDRC